The following is an entry in ClinVar:

NM_024642.5(GALNT12):c.1020C>T (p.Leu340=)

Gene: GALNT12 (polypeptide N-acetylgalactosaminyltransferase 12; plus strand). Cytogenetic location: 9q22.33.
Variant type: single nucleotide variant.
Coding change: c.1020C>T on transcript NM_024642.5 (MANE Select); coding-DNA position 1020, C replaced by T.
Protein change: p.Leu340=; no amino-acid change (leucine 340 retained).
Molecular consequence: synonymous variant.
Genome position (GRCh38, 1-based): chr9:98,835,351, C>T. VCF-style: chr9-98835351-C-T. GRCh37 (hg19) VCF-style: chr9-101597633-C-T.
Identifiers: ClinVar variation 701553 (VCV000701553.12), dbSNP rs778251729, ClinGen allele CA5154136.

ClinVar aggregate classification (germline): Benign/Likely benign. Review status: criteria provided, multiple submitters, no conflicts (2 of 4 stars). 3 submissions from 3 submitters: Benign (1); Likely benign (2). Last evaluated 2026-04-24.

Conditions:
Colorectal cancer, susceptibility to, 1. Also called: COLORECTAL ADENOMA AND CANCER, SUSCEPTIBILITY TO; COLORECTAL CANCER, SUSCEPTIBILITY TO, ON CHROMOSOME 9. Identifiers: MedGen C1837315, MONDO:0012132, OMIM 608812.

Allele frequency attached by ClinVar (database versions not stated): ExAC 0.00001; gnomAD 0.00002; gnomAD exomes 0.00001; TOPMed 0.00003.
gnomAD v4.1: 12 of 1,596,154 alleles (0.00075%); highest among the groups gnomAD compares: Middle Eastern, 0.017%; no homozygotes.

Submissions (3):

Myriad Genetics, Inc.
Classification: Benign for Colorectal cancer, susceptibility to, 1. Last evaluated: 2026-04-24. Review status: criteria provided, single submitter. Criteria: Myriad Autosomal Dominant, Autosomal Recessive and X-Linked Classification Criteria (2023). Collection method: clinical testing. Allele origin: unknown.
Comment: This variant is considered benign. This variant is a silent/synonymous amino acid change and it is not expected to impact splicing.

Labcorp Genetics (formerly Invitae), Labcorp
Classification: Likely benign. Last evaluated: 2022-10-23. Review status: criteria provided, single submitter. Criteria: Invitae Variant Classification Sherloc (09022015). Collection method: clinical testing. Allele origin: germline.

Ambry Genetics
Classification: Likely benign. Last evaluated: 2019-11-05. Review status: criteria provided, single submitter. Criteria: Ambry Variant Classification Scheme 2023. Collection method: clinical testing. Allele origin: germline.